The following is an entry in ClinVar:

ClinVar aggregate classification (germline): Uncertain significance (1 of 4 stars; one submission).

Conditions:
Multiple gastrointestinal atresias. Also called: FAMILIAL INTESTINAL POLYATRESIA SYNDROME; Multiple intestinal atresia. Identifiers: Orphanet 2300, MedGen C0220744, MONDO:0009465.

gnomAD v4.1: 11 of 1,614,218 alleles (0.00068%); highest among the groups gnomAD compares: Non-Finnish European, 0.00093%; no homozygotes.

Submission:

Labcorp Genetics (formerly Invitae), Labcorp
Classification: Uncertain significance for Multiple gastrointestinal atresias. Last evaluated: 2020-08-16. Review status: criteria provided, single submitter. Criteria: Invitae Variant Classification Sherloc (09022015). Collection method: clinical testing. Allele origin: germline.
Comment: This variant has not been reported in the literature in individuals with TTC7A-related conditions. Algorithms developed to predict the effect of missense changes on protein structure and function are either unavailable or do not agree on the potential impact of this missense change (SIFT: "Deleterious"; PolyPhen-2: "Possibly Damaging"; Align-GVGD: "Class C0"). This sequence change replaces alanine with threonine at codon 410 of the TTC7A protein (p.Ala410Thr). The alanine residue is moderately conserved and there is a small physicochemical difference between alanine and threonine. This variant is not present in population databases (ExAC no frequency). In summary, the available evidence is currently insufficient to determine the role of this variant in disease. Therefore, it has been classified as a Variant of Uncertain Significance.

NM_020458.4(TTC7A):c.1228G>A (p.Ala410Thr)

Gene: TTC7A (tetratricopeptide repeat domain 7A; plus strand). Cytogenetic location: 2p21.
Variant type: single nucleotide variant.
Coding change: c.1228G>A on transcript NM_020458.4 (MANE Select); coding-DNA position 1228, G replaced by A.
Protein change: p.Ala410Thr; replaces alanine 410 with threonine.
Molecular consequence: missense variant.
Genome position (GRCh38, 1-based): chr2:47,006,665, G>A. VCF-style: chr2-47006665-G-A. GRCh37 (hg19) VCF-style: chr2-47233804-G-A.
Other names: c.1228G>A, p.Ala410Thr (NM_001288951.2); c.1126G>A, p.Ala376Thr (NM_001288953.2); c.166G>A, p.Ala56Thr (NM_001288955.2); short protein forms A376T, A410T, A56T.
Identifiers: ClinVar variation 1041192 (VCV001041192.9), dbSNP rs1677434974, ClinGen allele CA346714407.